The following is an entry in ClinVar:

NM_021729.6(VPS11):c.479C>T (p.Thr160Ile)

Gene: VPS11 (VPS11 core subunit of CORVET and HOPS complexes; plus strand). Cytogenetic location: 11q23.3.
Variant type: single nucleotide variant.
Coding change: c.479C>T on transcript NM_021729.6 (MANE Select); coding-DNA position 479, C replaced by T.
Protein change: p.Thr160Ile; replaces threonine 160 with isoleucine.
Molecular consequence: missense variant. On other transcripts: non-coding transcript variant (8).
Genome position (GRCh38, 1-based): chr11:119,070,240, C>T. VCF-style: chr11-119070240-C-T. GRCh37 (hg19) VCF-style: chr11-118940950-C-T.
Other names: c.449C>T, p.Thr150Ile (NM_001290185.2); c.491C>T, p.Thr164Ile (NM_001378218.1); c.479C>T, p.Thr160Ile (NM_001378219.1, NM_001378220.1); c.461C>T, p.Thr154Ile (NM_001378221.1); short protein forms T150I, T160I, T154I, T164I.
Identifiers: ClinVar variation 1513923 (VCV001513923.3), dbSNP rs1235083756, ClinGen allele CA382964438.

ClinVar aggregate classification (germline): Uncertain significance (1 of 4 stars; one submission).

Allele frequency attached by ClinVar (database versions not stated): gnomAD exomes below 0.00001; gnomAD 0.00001; TOPMed 0.00001.

Submission:

Labcorp Genetics (formerly Invitae), Labcorp
Classification: Uncertain significance. Last evaluated: 2022-02-24. Review status: criteria provided, single submitter. Criteria: Invitae Variant Classification Sherloc (09022015). Collection method: clinical testing. Allele origin: germline.
Comment: This sequence change replaces threonine with isoleucine at codon 160 of the VPS11 protein (p.Thr160Ile). There is a moderate physicochemical difference between threonine and isoleucine. The frequency data for this variant in the population databases is considered unreliable, as metrics indicate poor data quality at this position in the gnomAD database. This variant has not been reported in the literature in individuals affected with VPS11-related conditions. Experimental studies and prediction algorithms are not available or were not evaluated, and the functional significance of this variant is currently unknown. In summary, the available evidence is currently insufficient to determine the role of this variant in disease. Therefore, it has been classified as a Variant of Uncertain Significance.